The following is an entry in ClinVar:

NM_000531.6(OTC):c.439G>C (p.Asp147His)

Gene: OTC (ornithine transcarbamylase; plus strand). Cytogenetic location: Xp11.4.
Variant type: single nucleotide variant.
Coding change: c.439G>C on transcript NM_000531.6 (MANE Select); coding-DNA position 439, G replaced by C.
Protein change: p.Asp147His; replaces aspartic acid 147 with histidine.
Molecular consequence: missense variant.
Genome position (GRCh38, 1-based): chrX:38,401,327, G>C. VCF-style: chrX-38401327-G-C. GRCh37 (hg19) VCF-style: chrX-38260580-G-C.
Other names: c.439G>C, p.Asp147His (NM_001407092.1); short protein forms D147H.
Identifiers: ClinVar variation 1994741 (VCV001994741.4), dbSNP rs2519973392, ClinGen allele CA412723249.

ClinVar aggregate classification (germline): Uncertain significance (1 of 4 stars; one submission).

Conditions:
Ornithine carbamoyltransferase deficiency (OTCD). Also called: Ornithine Carbamoyltransferase Deficiency Disease; ORNITHINE TRANSCARBAMYLASE DEFICIENCY; ORNITHINE TRANSCARBAMYLASE DEFICIENCY, HYPERAMMONEMIA DUE TO; OTC DEFICIENCY. Identifiers: Orphanet 664, MedGen C0268542, MONDO:0010703, OMIM 311250.

Allele frequency attached by ClinVar (database versions not stated): gnomAD exomes below 0.00001.
gnomAD v4.1: 1 of 1,199,045 alleles (0.000083%); highest among the groups gnomAD compares: Non-Finnish European, 0.00011%; no homozygotes.

Submission:

Labcorp Genetics (formerly Invitae), Labcorp
Classification: Uncertain significance for Ornithine carbamoyltransferase deficiency. Last evaluated: 2022-05-15. Review status: criteria provided, single submitter. Criteria: Invitae Variant Classification Sherloc (09022015). Collection method: clinical testing. Allele origin: germline.
Comment: In summary, the available evidence is currently insufficient to determine the role of this variant in disease. Therefore, it has been classified as a Variant of Uncertain Significance. Advanced modeling of protein sequence and biophysical properties (such as structural, functional, and spatial information, amino acid conservation, physicochemical variation, residue mobility, and thermodynamic stability) performed at Invitae indicates that this missense variant is expected to disrupt OTC protein function. This variant has not been reported in the literature in individuals affected with OTC-related conditions. This variant is not present in population databases (gnomAD no frequency). This sequence change replaces aspartic acid, which is acidic and polar, with histidine, which is basic and polar, at codon 147 of the OTC protein (p.Asp147His).